The following is an entry in ClinVar:

ClinVar aggregate classification (germline): Uncertain significance (1 of 4 stars; one submission).

Conditions:
CHRNA4-related disorder. Also called: CHRNA4-related condition.

Submission:

PreventionGenetics, part of Exact Sciences
Classification: Uncertain significance for CHRNA4-related condition. Last evaluated: 2023-05-25. Review status: criteria provided, single submitter. Criteria: ACMG Guidelines, 2015. Collection method: clinical testing. Allele origin: germline.
Comment: The CHRNA4 c.778C>G variant is predicted to result in the amino acid substitution p.Leu260Val. To our knowledge, this variant has not been reported in the literature or in a large population database, indicating this variant is rare. At this time, the clinical significance of this variant is uncertain due to the absence of conclusive functional and genetic evidence.

NM_000744.7(CHRNA4):c.778C>G (p.Leu260Val)

Gene: CHRNA4 (cholinergic receptor nicotinic alpha 4 subunit; minus strand). Cytogenetic location: 20q13.33.
Variant type: single nucleotide variant.
Coding change: c.778C>G on transcript NM_000744.7 (MANE Select); coding-DNA position 778, C replaced by G.
Protein change: p.Leu260Val; replaces leucine 260 with valine.
Molecular consequence: missense variant. On other transcripts: non-coding transcript variant (1).
Genome position (GRCh38, 1-based): chr20:63,350,633, G>C on the plus strand (C>G on the coding strand, the complement: CHRNA4 is on the minus strand). VCF-style: chr20-63350633-G-C. GRCh37 (hg19) VCF-style: chr20-61981985-G-C.
Other names: c.250C>G, p.Leu84Val (NM_001256573.2); short protein forms L260V, L84V.
Identifiers: ClinVar variation 2632748 (VCV002632748.1), dbSNP rs770780958, ClinGen allele CA409636775.